The following is an entry in ClinVar:

NM_001379500.1(COL18A1):c.107-11498C>T

Gene: COL18A1 (collagen type XVIII alpha 1 chain; plus strand). Cytogenetic location: 21q22.3.
Variant type: single nucleotide variant.
Coding change: c.107-11498C>T on transcript NM_001379500.1 (MANE Select); 11498 bases into the intron before coding-DNA position 107, C replaced by T.
Molecular consequence: intron variant. On other transcripts: missense variant (1).
Genome position (GRCh38, 1-based): chr21:45,456,744, C>T. VCF-style: chr21-45456744-C-T. GRCh37 (hg19) VCF-style: chr21-46876658-C-T.
Other names: c.646+568C>T (NM_030582.4); c.1214C>T, p.Pro405Leu (NM_130444.3); c.1214C>T (NM_130444.2); short protein forms P405L.
Identifiers: ClinVar variation 1678866 (VCV001678866.13), dbSNP rs549345311, ClinGen allele CA10065642.

ClinVar aggregate classification (germline): Conflicting classifications of pathogenicity. Review status: criteria provided, conflicting classifications (1 of 4 stars). 5 submissions from 5 submitters: Uncertain significance (2); Likely benign (3). Last evaluated 2025-08-01.

Conditions:
COL18A1-related disorder. Also called: COL18A1-related disorders; COL18A1-related condition.

Allele frequency attached by ClinVar (database versions not stated): ExAC 0.00009; 1000 Genomes Project 0.00060; 1000 Genomes Project 30x 0.00062; gnomAD exomes 0.00090 and 0.00130; gnomAD 0.00106 and 0.00107; TOPMed 0.00121.
gnomAD v4.1: 1,949 of 1,537,308 alleles (0.13%); highest among the groups gnomAD compares: Admixed American, 0.18%; 6 homozygotes.

Submissions (5):

CeGaT Center for Human Genetics Tuebingen
Classification: Likely benign. Last evaluated: 2025-08-01. Review status: criteria provided, single submitter. Criteria: CeGaT Center For Human Genetics Tuebingen Variant Classification Criteria Version 2. Collection method: clinical testing. Allele origin: germline. Affected: yes. Observed: 1 variant allele.
Comment: COL18A1: BP4

PreventionGenetics, part of Exact Sciences
Classification: Likely benign for COL18A1-related condition. Last evaluated: 2025-03-20. Review status: criteria provided, single submitter. Criteria: ACMG Guidelines, 2015. Collection method: clinical testing. Allele origin: germline.
Comment: This variant is classified as likely benign based on ACMG/AMP sequence variant interpretation guidelines (Richards et al. 2015 PMID: 25741868, with internal and published modifications).

Blueprint Genetics
Classification: Likely benign. Last evaluated: 2024-09-23. Review status: criteria provided, single submitter. Criteria: ACMG Guidelines, 2015. Collection method: clinical testing. Allele origin: germline.

GeneDx
Classification: Uncertain significance. Last evaluated: 2022-04-12. Review status: criteria provided, single submitter. Criteria: GeneDx Variant Classification Process June 2021. Collection method: clinical testing. Allele origin: germline. Affected: yes.
Comment: In silico analysis supports that this missense variant does not alter protein structure/function; Has not been previously published as pathogenic or benign to our knowledge

Breakthrough Genomics
Classification: Uncertain significance. Review status: criteria provided, single submitter. Criteria: ACMG Guidelines, 2015. Collection method: not provided. Allele origin: germline. Inheritance: Autosomal dominant inheritance. Affected: yes.